The following is an entry in ClinVar:

ClinVar aggregate classification (germline): Conflicting classifications of pathogenicity. Review status: criteria provided, conflicting classifications (1 of 4 stars). 4 submissions from 4 submitters: Pathogenic (1); Uncertain significance (2). 1 of the submissions does not count toward it. Last evaluated 2025-12-10.

Conditions:
Generalized epilepsy with febrile seizures plus, type 2 (GEFSP2). Also called: GEFS+, TYPE 2. Identifiers: Orphanet 36387, MedGen C1858673, MONDO:0011461, OMIM 604403.
Migraine, familial hemiplegic, 3. Identifiers: Orphanet 569, MedGen C1864987, MONDO:0012320, OMIM 609634.
Severe myoclonic epilepsy in infancy (DRVT). Also called: Epileptic encephalopathy, early infantile, 6 (Dravet syndrome); Dravet syndrome; Severe Myoclonic Epilepsy in Infancy (SMEI); SEVERE MYOCLONIC EPILEPSY OF INFANCY; DEVELOPMENTAL AND EPILEPTIC ENCEPHALOPATHY 6A. Identifiers: Orphanet 33069, MedGen C0751122, MONDO:0100135, OMIM 607208.
Generalized epilepsy with febrile seizures plus, type 1 (GEFSP1). Also called: GEFS+, TYPE 1. Identifiers: Orphanet 36387, MedGen C1858672, MONDO:0011416, OMIM 604233.
Early-infantile DEE. Also called: Ohtahara syndrome; Early infantile epileptic encephalopathy with suppression bursts; Early infantile epileptic encephalopathy. Identifiers: Orphanet 1934, MedGen C0393706, MONDO:0800491.

Submissions (4):

Labcorp Genetics (formerly Invitae), Labcorp
Classification: Pathogenic for Early-infantile DEE. Last evaluated: 2025-12-10. Review status: criteria provided, single submitter. Criteria: Invitae Variant Classification Sherloc (09022015). Collection method: clinical testing. Allele origin: germline.
Comment: This sequence change replaces glutamic acid, which is acidic and polar, with lysine, which is basic and polar, at codon 1795 of the SCN1A protein (p.Glu1795Lys). This variant is not present in population databases (gnomAD no frequency). This missense change has been observed in individuals with clinical features of autosomal dominant generalized epilepsy with febrile seizures plus (GEFS+) (PMID: 20600615; internal data). It has also been observed to segregate with disease in related individuals. ClinVar contains an entry for this variant (Variation ID: 68660). Invitae Evidence Modeling of protein sequence and biophysical properties (such as structural, functional, and spatial information, amino acid conservation, physicochemical variation, residue mobility, and thermodynamic stability) indicates that this missense variant is expected to disrupt SCN1A protein function with a positive predictive value of 95%. For these reasons, this variant has been classified as Pathogenic.

Fulgent Genetics
Classification: Uncertain significance for Generalized epilepsy with febrile seizures plus, type 2; Severe myoclonic epilepsy in infancy; Migraine, familial hemiplegic, 3. Last evaluated: 2018-10-31. Review status: criteria provided, single submitter. Criteria: ACMG Guidelines, 2015. Collection method: clinical testing. Allele origin: unknown.

GeneDx
Classification: Uncertain significance. Last evaluated: 2017-05-01. Review status: criteria provided, single submitter. Criteria: GeneDx Variant Classification (06012015). Collection method: clinical testing. Allele origin: germline. Affected: yes.
Comment: A variant of uncertain significance has been identified in the SCN1A gene. The E1795K variant has been previously reported in multiple affected individuals in a family with generalized epilepsy with febrile seizures plus (GEFS+) (Li et al., 2010). The E1795K variant is not observed in large population cohorts (Lek et al., 2016; 1000 Genomes Consortium et al., 2015; Exome Variant Server). The E1795K variant is a non-conservative amino acid substitution, which is likely to impact secondary protein structure as these residues differ in polarity, charge, size and/or other properties. This substitution occurs at a conserved position predicted to be within the C-terminal cytoplasmic domain, and missense variants in this region have been reported in association with SCN1A-related disorders (SCN1A Variant Database; Stenson et al., 2014), supporting the functional importance of this region of the protein. In silico analysis predicts this variant is probably damaging to the protein structure/function. Based on the currently available information, it is unclear whether this variant is a pathogenic variant or a rare benign variant.

UniProtKB/Swiss-Prot
No classification provided. Condition: Generalized epilepsy with febrile seizures plus, type 1. Review status: no classification provided. Collection method: not provided. Allele origin: not provided. Not counted in ClinVar's aggregate classification.

Literature cited by the submitters: PubMed 20600615 (cited by Labcorp Genetics (formerly Invitae), Labcorp).

NM_001165963.4(SCN1A):c.5383G>A (p.Glu1795Lys)

Genes: SCN1A (sodium voltage-gated channel alpha subunit 1; minus strand), LOC102724058 (uncharacterized LOC102724058; plus strand). Cytogenetic location: 2q24.3.
Variant type: single nucleotide variant.
Coding change: c.5383G>A on transcript NM_001165963.4 (MANE Select); coding-DNA position 5383, G replaced by A.
Protein change: p.Glu1795Lys; replaces glutamic acid 1795 with lysine.
Molecular consequence: missense variant. On other transcripts: non-coding transcript variant (1).
Genome position (GRCh38, 1-based): chr2:165,991,892, C>T on the plus strand (G>A on the coding strand, the complement: SCN1A is on the minus strand). VCF-style: chr2-165991892-C-T. GRCh37 (hg19) VCF-style: chr2-166848402-C-T.
Other names: c.5299G>A, p.Glu1767Lys (NM_001165964.3, NM_001353957.2, NM_001353958.2); c.5383G>A, p.Glu1795Lys (NM_001202435.3, NM_001353948.2); c.5350G>A, p.Glu1784Lys (NM_001353949.2, NM_001353950.2, NM_001353951.2 and 2 more transcripts); c.5347G>A, p.Glu1783Lys (NM_001353954.2, NM_001353955.2); c.5296G>A, p.Glu1766Lys (NM_001353960.2); c.2941G>A, p.Glu981Lys (NM_001353961.2); short protein forms E1784K, E1795K, E1767K, E1766K, E981K, E1783K.
Identifiers: ClinVar variation 68660 (VCV000068660.10), dbSNP rs121918813, ClinGen allele CA266126.